The following is an entry in ClinVar:

NM_015698.6(GPKOW):c.1244C>T (p.Pro415Leu)

Gene: GPKOW (G-patch domain and KOW motifs; minus strand). Cytogenetic location: Xp11.23.
Variant type: single nucleotide variant.
Coding change: c.1244C>T on transcript NM_015698.6 (MANE Select); coding-DNA position 1244, C replaced by T.
Protein change: p.Pro415Leu; replaces proline 415 with leucine.
Molecular consequence: missense variant.
Genome position (GRCh38, 1-based): chrX:49,113,905, G>A on the plus strand (C>T on the coding strand, the complement: GPKOW is on the minus strand). VCF-style: chrX-49113905-G-A. GRCh37 (hg19) VCF-style: chrX-48970843-G-A.
Other names: short protein forms P415L.
Identifiers: ClinVar variation 3893345 (VCV003893345.1).

ClinVar aggregate classification (germline): Uncertain significance (1 of 4 stars; one submission).

Submission:

GeneDx
Classification: Uncertain significance. Last evaluated: 2023-09-29. Review status: criteria provided, single submitter. Criteria: GeneDx Variant Classification Process June 2021. Collection method: clinical testing. Allele origin: germline. Affected: yes.
Comment: Has not been previously published as pathogenic or benign to our knowledge; In silico analysis supports that this missense variant has a deleterious effect on protein structure/function; Not observed at significant frequency in large population cohorts (gnomAD); Variants in candidate genes are classified as variants of uncertain significance in accordance with ACMG guidelines (Richards et al., 2015)